The following is an entry in ClinVar:

NM_018474.6(KIZ):c.1505A>G (p.His502Arg)

Genes: KIZ (kizuna centrosomal protein; plus strand), KIZ-AS1 (KIZ antisense RNA 1; minus strand). Cytogenetic location: 20p11.23.
Variant type: single nucleotide variant.
Coding change: c.1505A>G on transcript NM_018474.6 (MANE Select); coding-DNA position 1505, A replaced by G.
Protein change: p.His502Arg; replaces histidine 502 with arginine.
Molecular consequence: missense variant.
Genome position (GRCh38, 1-based): chr20:21,214,593, A>G. VCF-style: chr20-21214593-A-G. GRCh37 (hg19) VCF-style: chr20-21195231-A-G.
Other names: c.1196A>G, p.His399Arg (NM_001163022.3); c.1106A>G, p.His369Arg (NM_001163023.3); c.1358A>G, p.His453Arg (NM_001276389.2); c.1451A>G, p.His484Arg (NM_001352434.2); c.1142A>G, p.His381Arg (NM_001352435.2); c.1163A>G, p.His388Arg (NM_001352436.2); short protein forms H388R, H399R, H453R, H369R, H381R, H484R, H502R.
Identifiers: ClinVar variation 1971046 (VCV001971046.6), dbSNP rs757146687, ClinGen allele CA9784890.

ClinVar aggregate classification (germline): Uncertain significance. Review status: criteria provided, multiple submitters, no conflicts (2 of 4 stars). 2 submissions from 2 submitters: Uncertain significance (2). Last evaluated 2022-07-06.

Allele frequency attached by ClinVar (database versions not stated): ExAC 0.00001.

Submissions (2):

Labcorp Genetics (formerly Invitae), Labcorp
Classification: Uncertain significance. Last evaluated: 2022-07-06. Review status: criteria provided, single submitter. Criteria: Invitae Variant Classification Sherloc (09022015). Collection method: clinical testing. Allele origin: germline.
Comment: This variant has not been reported in the literature in individuals affected with KIZ-related conditions. This variant is not present in population databases (gnomAD no frequency). This sequence change replaces histidine, which is basic and polar, with arginine, which is basic and polar, at codon 502 of the KIZ protein (p.His502Arg). Experimental studies and prediction algorithms are not available or were not evaluated, and the functional significance of this variant is currently unknown. In summary, the available evidence is currently insufficient to determine the role of this variant in disease. Therefore, it has been classified as a Variant of Uncertain Significance.

Blueprint Genetics
Classification: Uncertain significance. Last evaluated: 2022-05-18. Review status: criteria provided, single submitter. Criteria: ACMG Guidelines, 2015. Collection method: clinical testing. Allele origin: germline.